The following is an entry in ClinVar:

NC_000016.10:g.(?_10877311)_(10923323_?)del

Gene: CIITA (class II major histocompatibility complex transactivator; plus strand). Cytogenetic location: 16p13.13.
Variant type: Deletion.
Identifiers: ClinVar variation 832835 (VCV000832835.1).

ClinVar aggregate classification (germline): Pathogenic (1 of 4 stars; one submission).

Conditions:
MHC class II deficiency. Also called: BLS, TYPE II; Bare lymphocyte syndrome 2. Identifiers: Orphanet 572, MedGen C5447452, MONDO:0008855.

Submission:

Labcorp Genetics (formerly Invitae), Labcorp
Classification: Pathogenic for SCID due to absent class II HLA antigens. Last evaluated: 2019-10-07. Review status: criteria provided, single submitter. Criteria: Invitae Variant Classification Sherloc (09022015). Collection method: clinical testing. Allele origin: germline.
Comment: A gross deletion of the genomic region encompassing the full coding sequence of the CIITA gene has been identified. The boundaries of this event are unknown as the deletion extends beyond the assayed region for this gene and therefore may encompass additional genes. A similar whole gene deletion has been observed in an individual affected with MHC class II deficiency (PMID: 27484032). Loss-of-function variants in CIITA are known to be pathogenic (PMID: 8402893, 9099848, 26271388). For these reasons, this variant has been classified as Pathogenic.

Literature cited by the submitters: PubMed 27484032.